The following is an entry in ClinVar:

NM_144997.7(FLCN):c.249+4A>C

Gene: FLCN (folliculin; minus strand). Cytogenetic location: 17p11.2.
Variant type: single nucleotide variant.
Coding change: c.249+4A>C on transcript NM_144997.7 (MANE Select); 4 bases into the intron after coding-DNA position 249, A replaced by C.
Molecular consequence: intron variant.
Genome position (GRCh38, 1-based): chr17:17,227,885, T>G on the plus strand (A>C on the coding strand, the complement: FLCN is on the minus strand). VCF-style: chr17-17227885-T-G. GRCh37 (hg19) VCF-style: chr17-17131199-T-G.
Other names: c.249+4A>C (NM_001353231.2, NM_001353230.2, NM_001353229.2 and 1 more transcripts).
Identifiers: ClinVar variation 951493 (VCV000951493.7), dbSNP rs753648691, ClinGen allele CA1139665249.

ClinVar aggregate classification (germline): Uncertain significance (1 of 4 stars; one submission).

Conditions:
Birt-Hogg-Dube syndrome. Also called: Birt Hogg Dubé syndrome. Identifiers: Orphanet 122, MedGen C0346010, MONDO:0800444.

Submission:

Labcorp Genetics (formerly Invitae), Labcorp
Classification: Uncertain significance for Birt-Hogg-Dube syndrome. Last evaluated: 2022-01-27. Review status: criteria provided, single submitter. Criteria: Invitae Variant Classification Sherloc (09022015). Collection method: clinical testing. Allele origin: germline.
Comment: This variant is not present in population databases (gnomAD no frequency). This sequence change falls in intron 4 of the FLCN gene. It does not directly change the encoded amino acid sequence of the FLCN protein. It affects a nucleotide within the consensus splice site. This variant has not been reported in the literature in individuals affected with FLCN-related conditions. ClinVar contains an entry for this variant (Variation ID: 951493). In summary, the available evidence is currently insufficient to determine the role of this variant in disease. Therefore, it has been classified as a Variant of Uncertain Significance. Variants that disrupt the consensus splice site are a relatively common cause of aberrant splicing (PMID: 17576681, 9536098). Algorithms developed to predict the effect of sequence changes on RNA splicing suggest that this variant is not likely to affect RNA splicing.

Literature cited by the submitters: PubMed 17576681; PubMed 9536098.